The following is an entry in ClinVar:

NM_002693.3(POLG):c.339G>A (p.Trp113Ter)

Genes: POLG (DNA polymerase gamma, catalytic subunit; minus strand), POLGARF (POLG alternative reading frame; minus strand). Cytogenetic location: 15q26.1.
Variant type: single nucleotide variant.
Coding change: c.339G>A on transcript NM_002693.3 (MANE Select); coding-DNA position 339, G replaced by A.
Protein change: p.Trp113Ter; replaces tryptophan 113 with a stop codon.
Molecular consequence: nonsense. On other transcripts: missense variant (1).
Genome position (GRCh38, 1-based): chr15:89,333,416, C>T on the plus strand (G>A on the coding strand, the complement: POLG is on the minus strand). VCF-style: chr15-89333416-C-T. GRCh37 (hg19) VCF-style: chr15-89876647-C-T.
Other names: c.394G>A, p.Gly132Arg (NM_001430120.1); c.339G>A, p.Trp113Ter (NM_001126131.2); short protein forms G132R, W113*.
Identifiers: ClinVar variation 5005481 (VCV005005481.2).
Genomic context (GRCh38, chr15:89,333,416, plus strand): 5'-GTCCCCGTAGAGGGGCGGCAGGCGCAGCTCCACGTCGGGCAAGGGCACGGCTGGCTGCCC[C>T]CAGAGCCCGTGCTTCTGCAGGTGCTCGACGCTGCGGCGCACCGCGGCCTCGCCAGGCATC-3'

ClinVar aggregate classification (germline): Likely pathogenic (1 of 4 stars; one submission).

Conditions:
Sensory ataxic neuropathy, dysarthria, and ophthalmoparesis (SANDO). Also called: SENSORY ATAXIC NEUROPATHY WITH MITOCHONDRIAL DNA DELETIONS, AUTOSOMAL RECESSIVE; Epilepsy, progressive myoclonic, type 5; Ataxia Neuropathy Spectrum (ANS); Sensory ataxic neuropathy-dysarthria-ophthalmoparesis syndrome. Identifiers: Orphanet 70595, MedGen C1843851, MONDO:0011835, OMIM 607459.
Progressive external ophthalmoplegia with mitochondrial DNA deletions, autosomal dominant 1 (PEOA1). Also called: Autosomal Dominant Progressive External Ophthalmoplegia (adPEO); PROGRESSIVE EXTERNAL OPHTHALMOPLEGIA, AUTOSOMAL DOMINANT 1. Identifiers: MedGen C1834846, MONDO:0024528, OMIM 157640.
Progressive external ophthalmoplegia with mitochondrial DNA deletions, autosomal recessive 1 (PEOB1). Also called: Autosomal Recessive Progressive External Ophthalmoplegia (arPEO); Progressive external ophthalmoplegia, autosomal recessive 1. Identifiers: Orphanet 254886, MedGen C4225153, MONDO:0009783, OMIM 258450.
Mitochondrial DNA depletion syndrome 4b. Also called: Mitochondrial Neurogastrointestinal Encephalopathy Disease, POLG-Related; MNGIE, POLG-RELATED. Identifiers: Orphanet 298, MedGen C3150914, MONDO:0013350, OMIM 613662.
Progressive sclerosing poliodystrophy (MTDPS4A). Also called: ALPERS PROGRESSIVE INFANTILE POLIODYSTROPHY; Mitochondrial DNA Depletion Syndrome 4A; Alpers Syndrome; Mitochondrial DNA depletion syndrome 4A (Alpers type); NEURONAL DEGENERATION OF CHILDHOOD WITH LIVER DISEASE, PROGRESSIVE; ALPERS DIFFUSE DEGENERATION OF CEREBRAL GRAY MATTER WITH HEPATIC CIRRHOSIS. Identifiers: Orphanet 726, MedGen C0205710, MONDO:0008758, OMIM 203700.

Submission:

Juno Genomics, Hangzhou Juno Genomics, Inc
Classification: Likely pathogenic for Progressive sclerosing poliodystrophy; Sensory ataxic neuropathy, dysarthria, and ophthalmoparesis; Mitochondrial DNA depletion syndrome 4b; Progressive external ophthalmoplegia with mitochondrial DNA deletions, autosomal dominant 1; Progressive external ophthalmoplegia with mitochondrial DNA deletions, autosomal recessive 1. Review status: criteria provided, single submitter. Criteria: ACMG Guidelines, 2015. Collection method: clinical testing. Allele origin: germline.
Comment: Null variant in a gene where loss of function (LOF) is a known mechanism of disease.;Absent from controls (or at extremely low frequency if recessive) in Genome Aggregation Database.